The following is an entry in ClinVar:

NM_182931.3(KMT2E):c.2620C>T (p.Arg874Ter)

Gene: KMT2E (lysine methyltransferase 2E (inactive); plus strand). Cytogenetic location: 7q22.3.
Variant type: single nucleotide variant.
Coding change: c.2620C>T on transcript NM_182931.3 (MANE Select); coding-DNA position 2620, C replaced by T.
Protein change: p.Arg874Ter; replaces arginine 874 with a stop codon.
Molecular consequence: nonsense.
Genome position (GRCh38, 1-based): chr7:105,106,545, C>T. VCF-style: chr7-105106545-C-T. GRCh37 (hg19) VCF-style: chr7-104746992-C-T.
Other names: c.2620C>T, p.Arg874Ter (NM_018682.4); c.2620C>T (NM_018682.3); short protein forms R874*.
Identifiers: ClinVar variation 805906 (VCV000805906.6), dbSNP rs1584803745, ClinGen allele CA368787250.

ClinVar aggregate classification (germline): Pathogenic/Likely pathogenic. Review status: criteria provided, multiple submitters, no conflicts (2 of 4 stars). 3 submissions from 3 submitters: Pathogenic (2); Likely pathogenic (1). Last evaluated 2024-04-04.

Conditions:
Inborn genetic diseases. Identifiers: MedGen C0950123, MeSH D030342.
O'Donnell-Luria-Rodan syndrome (ODLURO). Also called: KMT2E-Related Neurodevelopmental Disorder. Identifiers: MedGen C5193138, MONDO:0032793, OMIM 618512.

Submissions (3):

Ambry Genetics
Classification: Pathogenic for Inborn genetic diseases. Last evaluated: 2024-04-04. Review status: criteria provided, single submitter. Criteria: Ambry Variant Classification Scheme 2023. Collection method: clinical testing. Allele origin: germline.
Comment: The c.2620C>T (p.R874*) alteration, located in coding exon 18 of the KMT2E gene, consists of a C to T substitution at nucleotide position 2620. This changes the amino acid from an arginine (R) to a stop codon at amino acid position 874. This alteration is expected to result in loss of function by premature protein truncation or nonsense-mediated mRNA decay. This variant was not reported in population-based cohorts in the Genome Aggregation Database (gnomAD). Based on the available evidence, this alteration is classified as pathogenic.

Broad Center for Mendelian Genomics, Broad Institute of MIT and Harvard
Classification: Likely pathogenic. Last evaluated: 2019-02-07. Review status: criteria provided, single submitter. Criteria: ACMG Guidelines, 2015. Collection method: research. Allele origin: de novo. Inheritance: Autosomal dominant inheritance. Affected: yes.
Comment: Trio exome analysis showed this variant to be de novo. The p.Arg874* variant in KMT2E has not been previously reported in individuals with developmental delays and was absent from large population studies. This nonsense variant leads to a premature termination codon at position 874, which is predicted to lead to a truncated or absent protein. This alteration is then predicted to lead to a truncated or absent protein. It is of note, that loss of function of the KMT2E gene in autosomal dominant disease has not yet been established based on the criteria laid out in Tayoun, 2018 (PMID: 30192042). In summary, although additional studies are required to fully establish its clinical significance, this variant is likely pathogenic.

Clinical Genetics Service, Universitary Hospital 12 de Octubre
Classification: Pathogenic for O'Donnell-Luria-Rodan syndrome. Review status: criteria provided, single submitter. Criteria: ACMG Guidelines, 2015. Collection method: clinical testing. Allele origin: germline. Affected: yes.

Literature cited by the submitters: PubMed 31079897 (cited by Ambry Genetics).